The following is an entry in ClinVar:

ClinVar aggregate classification (germline): Uncertain significance. Review status: criteria provided, multiple submitters, no conflicts (2 of 4 stars). 2 submissions from 2 submitters: Uncertain significance (2). Last evaluated 2025-08-18.

Conditions:
Neuroblastoma, susceptibility to, 3. Also called: ALK-Related Neuroblastic Tumor Susceptibility. Identifiers: Orphanet 635, MedGen C2751681, MONDO:0013083, OMIM 613014.
Hereditary cancer-predisposing syndrome. Also called: Neoplastic Syndromes, Hereditary; Tumor predisposition; Hereditary Cancer Syndrome; Hereditary neoplastic syndrome. Identifiers: Orphanet 140162, MedGen C0027672, MeSH D009386, MONDO:0015356.

Allele frequency attached by ClinVar (database versions not stated): gnomAD exomes 0.00001 and 0.00003; gnomAD 0.00002 and 0.00001; TOPMed 0.00002; ExAC 0.00004; ESP Exome Variant Server 0.00008.
gnomAD v4.1: 20 of 1,613,518 alleles (0.0012%); highest among the groups gnomAD compares: Middle Eastern, 0.13%; no homozygotes.

Submissions (2):

Labcorp Genetics (formerly Invitae), Labcorp
Classification: Uncertain significance for Neuroblastoma, susceptibility to, 3. Last evaluated: 2025-08-18. Review status: criteria provided, single submitter. Criteria: Invitae Variant Classification Sherloc (09022015). Collection method: clinical testing. Allele origin: germline.
Comment: This sequence change replaces arginine, which is basic and polar, with tryptophan, which is neutral and slightly polar, at codon 1061 of the ALK protein (p.Arg1061Trp). This variant is present in population databases (rs371521416, gnomAD 0.007%). This variant has not been reported in the literature in individuals affected with ALK-related conditions. ClinVar contains an entry for this variant (Variation ID: 538192). An algorithm developed to predict the effect of missense changes on protein structure and function (PolyPhen-2) suggests that this variant is likely to be disruptive. In summary, the available evidence is currently insufficient to determine the role of this variant in disease. Therefore, it has been classified as a Variant of Uncertain Significance.

Ambry Genetics
Classification: Uncertain significance for Hereditary cancer-predisposing syndrome. Last evaluated: 2024-12-17. Review status: criteria provided, single submitter. Criteria: Ambry Variant Classification Scheme 2023. Collection method: clinical testing. Allele origin: germline.
Comment: The p.R1061W variant (also known as c.3181C>T), located in coding exon 20 of the ALK gene, results from a C to T substitution at nucleotide position 3181. The arginine at codon 1061 is replaced by tryptophan, an amino acid with dissimilar properties. This amino acid position is highly conserved in available vertebrate species. In addition, this alteration is predicted to be deleterious by in silico analysis. Based on the available evidence, the clinical significance of this variant remains unclear.

NM_004304.5(ALK):c.3181C>T (p.Arg1061Trp)

Gene: ALK (ALK receptor tyrosine kinase; minus strand). Cytogenetic location: 2p23.2.
Variant type: single nucleotide variant.
Coding change: c.3181C>T on transcript NM_004304.5 (MANE Select); coding-DNA position 3181, C replaced by T.
Protein change: p.Arg1061Trp; replaces arginine 1061 with tryptophan.
Molecular consequence: missense variant. On other transcripts: 5 prime UTR variant (1).
Genome position (GRCh38, 1-based): chr2:29,223,520, G>A on the plus strand (C>T on the coding strand, the complement: ALK is on the minus strand). VCF-style: chr2-29223520-G-A. GRCh37 (hg19) VCF-style: chr2-29446386-G-A.
Other names: c.-24C>T (NM_001353765.2); short protein forms R1061W.
Identifiers: ClinVar variation 538192 (VCV000538192.10), dbSNP rs371521416, ClinGen allele CA1594039.